The following is an entry in ClinVar:

NM_000038.6(APC):c.775C>A (p.Arg259=)

Gene: APC (APC regulator of Wnt signaling pathway; plus strand). Cytogenetic location: 5q22.2.
Variant type: single nucleotide variant.
Coding change: c.775C>A on transcript NM_000038.6 (MANE Select); coding-DNA position 775, C replaced by A.
Protein change: p.Arg259=; no amino-acid change (arginine 259 retained).
Molecular consequence: synonymous variant. On other transcripts: 5 prime UTR variant (1).
Genome position (GRCh38, 1-based): chr5:112,801,324, C>A. VCF-style: chr5-112801324-C-A. GRCh37 (hg19) VCF-style: chr5-112137021-C-A.
Other names: c.775C>A, p.Arg259= (NM_001127510.3, NM_001354895.2, NM_001354896.2 and 1 more transcripts); c.721C>A, p.Arg241= (NM_001127511.3); c.805C>A, p.Arg269= (NM_001354897.2, NM_001354902.2); c.700C>A, p.Arg234= (NM_001354898.2, NM_001354904.2); c.691C>A, p.Arg231= (NM_001354899.2); c.598C>A, p.Arg200= (NM_001354900.2, NM_001354901.2, NM_001354905.2); c.-261C>A (NM_001354906.2).
Identifiers: ClinVar variation 387135 (VCV000387135.14), dbSNP rs762117133, ClinGen allele CA16605135.

ClinVar aggregate classification (germline): Benign/Likely benign. Review status: criteria provided, multiple submitters, no conflicts (2 of 4 stars). 5 submissions from 5 submitters: Benign (1); Likely benign (4). Last evaluated 2025-08-20.

Conditions:
Hereditary cancer-predisposing syndrome. Also called: Hereditary Cancer Syndrome; Hereditary neoplastic syndrome; Neoplastic Syndromes, Hereditary; Tumor predisposition. Identifiers: Orphanet 140162, MedGen C0027672, MeSH D009386, MONDO:0015356.
Familial adenomatous polyposis 1 (FAP1). Also called: FAMILIAL ADENOMATOUS POLYPOSIS 1, ATTENUATED; POLYPOSIS, ADENOMATOUS INTESTINAL. Identifiers: MedGen C2713442, MONDO:0021056, OMIM 175100. Disease mechanism: loss of function.

gnomAD v4.1: 4 of 1,612,798 alleles (0.00025%); highest among the groups gnomAD compares: East Asian, 0.0089%; no homozygotes.

Submissions (5):

Labcorp Genetics (formerly Invitae), Labcorp
Classification: Likely benign for Familial adenomatous polyposis 1. Last evaluated: 2025-08-20. Review status: criteria provided, single submitter. Criteria: Invitae Variant Classification Sherloc (09022015). Collection method: clinical testing. Allele origin: germline.

Myriad Genetics, Inc.
Classification: Benign for Familial adenomatous polyposis 1. Last evaluated: 2024-02-26. Review status: criteria provided, single submitter. Criteria: Myriad Autosomal Dominant, Autosomal Recessive and X-Linked Classification Criteria (2023). Collection method: clinical testing. Allele origin: unknown.
Comment: This variant is considered benign. This variant is a silent/synonymous amino acid change and it is not expected to impact splicing.

Ambry Genetics
Classification: Likely benign for Hereditary cancer-predisposing syndrome. Last evaluated: 2021-04-10. Review status: criteria provided, single submitter. Criteria: Ambry Variant Classification Scheme 2023. Collection method: clinical testing. Allele origin: germline.

Women's Health and Genetics/Laboratory Corporation of America, LabCorp
Classification: Likely benign. Last evaluated: 2021-01-25. Review status: criteria provided, single submitter. Criteria: LabCorp Variant Classification Summary - May 2015. Collection method: clinical testing. Allele origin: germline.

GeneDx
Classification: Likely benign. Last evaluated: 2016-06-20. Review status: criteria provided, single submitter. Criteria: GeneDx Variant Classification (06012015). Collection method: clinical testing. Allele origin: germline. Affected: yes.
Comment: This variant is considered likely benign or benign based on one or more of the following criteria: it is a conservative change, it occurs at a poorly conserved position in the protein, it is predicted to be benign by multiple in silico algorithms, and/or has population frequency not consistent with disease.